The following is an entry in ClinVar:

ClinVar aggregate classification (germline): Uncertain significance (1 of 4 stars; one submission).

Allele frequency attached by ClinVar (database versions not stated): gnomAD exomes 0.00001.
gnomAD v4.1: 4 of 1,211,232 alleles (0.00033%); highest among the groups gnomAD compares: Non-Finnish European, 0.00045%; no homozygotes.

Submission:

Labcorp Genetics (formerly Invitae), Labcorp
Classification: Uncertain significance. Last evaluated: 2022-09-15. Review status: criteria provided, single submitter. Criteria: Invitae Variant Classification Sherloc (09022015). Collection method: clinical testing. Allele origin: germline.
Comment: This sequence change replaces serine, which is neutral and polar, with threonine, which is neutral and polar, at codon 349 of the CHM protein (p.Ser349Thr). This variant is not present in population databases (gnomAD no frequency). This variant has not been reported in the literature in individuals affected with CHM-related conditions. Algorithms developed to predict the effect of missense changes on protein structure and function output the following: SIFT: "Tolerated"; PolyPhen-2: "Benign"; Align-GVGD: "Class C0". The threonine amino acid residue is found in multiple mammalian species, which suggests that this missense change does not adversely affect protein function. In summary, the available evidence is currently insufficient to determine the role of this variant in disease. Therefore, it has been classified as a Variant of Uncertain Significance.

NM_000390.4(CHM):c.1046G>C (p.Ser349Thr)

Gene: CHM (CHM Rab escort protein; minus strand). Cytogenetic location: Xq21.2.
Variant type: single nucleotide variant.
Coding change: c.1046G>C on transcript NM_000390.4 (MANE Select); coding-DNA position 1046, G replaced by C.
Protein change: p.Ser349Thr; replaces serine 349 with threonine.
Molecular consequence: missense variant.
Genome position (GRCh38, 1-based): chrX:85,956,273, C>G on the plus strand (G>C on the coding strand, the complement: CHM is on the minus strand). VCF-style: chrX-85956273-C-G. GRCh37 (hg19) VCF-style: chrX-85211278-C-G.
Other names: c.602G>C, p.Ser201Thr (NM_001362517.1, NM_001362518.2, NM_001362519.1 and 1 more transcripts); short protein forms S201T, S349T.
Identifiers: ClinVar variation 1719534 (VCV001719534.5), dbSNP rs149433996, ClinGen allele CA413785189.